The following is an entry in ClinVar:

ClinVar aggregate classification (germline): Pathogenic/Likely pathogenic. Review status: criteria provided, multiple submitters, no conflicts (2 of 4 stars). 3 submissions from 3 submitters: Pathogenic (1); Likely pathogenic (2). Last evaluated 2025-04-22.

Conditions:
MHC class II deficiency 1 (MHC2D1). Also called: SCID, HLA CLASS II-NEGATIVE; BARE LYMPHOCYTE SYNDROME, TYPE II, COMPLEMENTATION GROUP A; Bare lymphocyte syndrome type 2, complementation group A. Identifiers: MedGen C1859534, MONDO:0971005, OMIM 209920.
Rheumatoid arthritis (RA). Also called: RHEUMATOID ARTHRITIS, SUSCEPTIBILITY TO. Identifiers: MedGen C0003873, MONDO:0008383, OMIM 180300, HP:0001370.
CIITA-related disorder. Also called: CIITA-related condition.
MHC class II deficiency. Also called: Bare lymphocyte syndrome 2; BLS, TYPE II. Identifiers: Orphanet 572, MedGen C5447452, MONDO:0008855.

Submissions (3):

Labcorp Genetics (formerly Invitae), Labcorp
Classification: Pathogenic for MHC class II deficiency. Last evaluated: 2025-04-22. Review status: criteria provided, single submitter. Criteria: Invitae Variant Classification Sherloc (09022015). Collection method: clinical testing. Allele origin: germline.
Comment: This sequence change creates a premature translational stop signal (p.Pro211Leufs*7) in the CIITA gene. It is expected to result in an absent or disrupted protein product. Loss-of-function variants in CIITA are known to be pathogenic (PMID: 8402893, 9099848, 26271388). This variant is not present in population databases (gnomAD no frequency). This variant has not been reported in the literature in individuals affected with CIITA-related conditions. ClinVar contains an entry for this variant (Variation ID: 1076559). For these reasons, this variant has been classified as Pathogenic.

Fulgent Genetics
Classification: Likely pathogenic for Rheumatoid arthritis; MHC class II deficiency 1. Last evaluated: 2024-03-07. Review status: criteria provided, single submitter. Criteria: ACMG Guidelines, 2015. Collection method: clinical testing. Allele origin: germline.

Blueprint Genetics
Classification: Likely pathogenic for CIITA-related disorders. Last evaluated: 2018-07-03. Review status: criteria provided, single submitter. Criteria: ACMG Guidelines, 2015. Collection method: clinical testing. Allele origin: germline. Affected: yes. Observed: 1 variant allele.

Literature cited by the submitters: PubMed 8402893 (cited by Labcorp Genetics (formerly Invitae), Labcorp); PubMed 9099848 (cited by Labcorp Genetics (formerly Invitae), Labcorp); PubMed 26271388 (cited by Labcorp Genetics (formerly Invitae), Labcorp).

NM_000246.4(CIITA):c.632del (p.Pro211fs)

Gene: CIITA (class II major histocompatibility complex transactivator; plus strand). Cytogenetic location: 16p13.13.
Variant type: Deletion.
Coding change: c.632del on transcript NM_000246.4 (MANE Select); coding-DNA position 632, one base deleted (C; older notation c.632delC).
Protein change: p.Pro211fs; shifts the reading frame from proline 211.
Molecular consequence: frameshift variant. On other transcripts: non-coding transcript variant (1).
Genome position (GRCh38, 1-based): chr16:10,902,661, C deleted; the last of 2 consecutive C bases (chr16:10,902,660-10,902,661); deleting either gives the same sequence. VCF-style (leftmost placement, unchanged base first): chr16-10902659-GC-G. GRCh37 (hg19) VCF-style: chr16-10996516-GC-G.
Other names: c.635del, p.Pro212fs (NM_001286402.1, NM_001379332.1); c.485del, p.Pro162fs (NM_001286403.2, NM_001379331.1); c.488del, p.Pro163fs (NM_001379330.1); c.632del, p.Pro211fs (NM_001379333.1); c.563del, p.Pro188fs (NM_001379334.1); short protein forms P162fs, P163fs, P188fs, P211fs, P212fs.
Identifiers: ClinVar variation 1076559 (VCV001076559.9), dbSNP rs2144580551, ClinGen allele CA2499223192.